The following is an entry in ClinVar:

ClinVar aggregate classification (germline): Uncertain significance (1 of 4 stars; one submission).

Conditions:
Dilated cardiomyopathy 1W (CMD1W). Identifiers: Orphanet 154, MedGen C1969639, MONDO:0012667, OMIM 611407.

Allele frequency attached by ClinVar (database versions not stated): gnomAD below 0.00001 and 0.00004; TOPMed below 0.00001; gnomAD exomes 0.00004 and 0.00008; ExAC 0.00009; 1000 Genomes Project 0.00020; 1000 Genomes Project 30x 0.00031.
gnomAD v4.1: 67 of 1,614,000 alleles (0.0042%); highest among the groups gnomAD compares: South Asian, 0.063%; 1 homozygote.

Submission:

Labcorp Genetics (formerly Invitae), Labcorp
Classification: Uncertain significance for Dilated cardiomyopathy 1W. Last evaluated: 2025-11-24. Review status: criteria provided, single submitter. Criteria: Invitae Variant Classification Sherloc (09022015). Collection method: clinical testing. Allele origin: germline.
Comment: This sequence change replaces serine, which is neutral and polar, with phenylalanine, which is neutral and non-polar, at codon 574 of the VCL protein (p.Ser574Phe). This variant is present in population databases (rs574643494, gnomAD 0.06%), and has an allele count higher than expected for a pathogenic variant. This variant has not been reported in the literature in individuals affected with VCL-related conditions. ClinVar contains an entry for this variant (Variation ID: 836480). An algorithm developed to predict the effect of missense changes on protein structure and function (PolyPhen-2) suggests that this variant is likely to be tolerated. In summary, the available evidence is currently insufficient to determine the role of this variant in disease. Therefore, it has been classified as a Variant of Uncertain Significance.

NM_014000.3(VCL):c.1721C>T (p.Ser574Phe)

Gene: VCL (vinculin; plus strand). Cytogenetic location: 10q22.2.
Variant type: single nucleotide variant.
Coding change: c.1721C>T on transcript NM_014000.3 (MANE Select); coding-DNA position 1721, C replaced by T.
Protein change: p.Ser574Phe; replaces serine 574 with phenylalanine.
Molecular consequence: missense variant.
Genome position (GRCh38, 1-based): chr10:74,095,833, C>T. VCF-style: chr10-74095833-C-T. GRCh37 (hg19) VCF-style: chr10-75855591-C-T.
Other names: c.1721C>T, p.Ser574Phe (NM_003373.4); short protein forms S574F.
Identifiers: ClinVar variation 836480 (VCV000836480.7), dbSNP rs574643494, ClinGen allele CA5563058.
Genomic context (GRCh38, chr10:74,095,833, plus strand): 5'-AGCTGGCTGACCTGGCTGCCAGAGGGGAAGGGGAGAGTCCTCAGGCACGAGCACTTGCAT[C>T]TCAGCTCCAAGACTCCTTAAAGGTAGAAGTCAGGAGCACATATCATTTTACTTTTTATGC-3'
Protein context (NP_054706.1, residues 564-584): GESPQARALA[Ser574Phe]QLQDSLKDLK